The following is an entry in ClinVar:

ClinVar aggregate classification (germline): Uncertain significance. Review status: criteria provided, multiple submitters, no conflicts (2 of 4 stars). 2 submissions from 2 submitters: Uncertain significance (2). Last evaluated 2023-03-02.

Allele frequency attached by ClinVar (database versions not stated): TOPMed 0.00002; ESP Exome Variant Server 0.00008; gnomAD exomes below 0.00001; gnomAD 0.00001.
gnomAD v4.1: 4 of 1,612,534 alleles (0.00025%); highest among the groups gnomAD compares: Non-Finnish European, 0.00034%; no homozygotes.

Submissions (2):

GeneDx
Classification: Uncertain significance. Last evaluated: 2023-03-02. Review status: criteria provided, single submitter. Criteria: GeneDx Variant Classification Process June 2021. Collection method: clinical testing. Allele origin: germline. Affected: yes.
Comment: Not observed at significant frequency in large population cohorts (gnomAD); Missense variant in a gene in which most reported pathogenic variants are truncating/loss of function; Has not been previously published as pathogenic or benign to our knowledge

Laboratory for Molecular Medicine, Mass General Brigham Personalized Medicine
Classification: Uncertain significance. Last evaluated: 2013-01-16. Review status: criteria provided, single submitter. Criteria: LMM Criteria. Collection method: clinical testing. Allele origin: germline. Observed: 2 variant alleles.
Comment: The Pro21088Leu variant in TTN has not been reported in the literature nor previ ously identified by our laboratory. This variant has been identified in 1/8298 E uropean American chromosomes from a broad population by the NHLBI Exome Sequenci ng Project. Computational analyses (biochemi cal amino acid properties, conservation, AlignGVGD, PolyPhen2, and SIFT) do not provide strong support for or against an impact to the protein. In summary, addi tional information is needed to fully assess the clinical significance of the Pr o21088Leu variant

NM_001267550.2(TTN):c.70967C>T (p.Pro23656Leu)

Genes: TTN-AS1 (TTN antisense RNA 1; plus strand), TTN (titin; minus strand). Cytogenetic location: 2q31.2.
Variant type: single nucleotide variant.
Coding change: c.70967C>T on transcript NM_001267550.2 (MANE Select); coding-DNA position 70967, C replaced by T.
Protein change: p.Pro23656Leu; replaces proline 23656 with leucine.
Molecular consequence: missense variant.
Genome position (GRCh38, 1-based): chr2:178,575,165, G>A on the plus strand (C>T on the coding strand, the complement: TTN is on the minus strand). VCF-style: chr2-178575165-G-A. GRCh37 (hg19) VCF-style: chr2-179439892-G-A.
Other names: c.63263C>T, p.Pro21088Leu (NM_133378.4); c.66044C>T, p.Pro22015Leu (NM_001256850.1); c.43772C>T, p.Pro14591Leu (NM_003319.4); c.44147C>T, p.Pro14716Leu (NM_133432.3); c.44348C>T, p.Pro14783Leu (NM_133437.4); c.70967C>T (NM_001267550.1); short protein forms P23656L, P21088L, P14783L, P14591L, P14716L, P22015L.
Identifiers: ClinVar variation 47296 (VCV000047296.6), dbSNP rs368938701, ClinGen allele CA140599.
Genomic context (GRCh38, chr2:178,575,165, plus strand): 5'-TGTTTAAGAATTTGGTCTCCTTTTTTCCATGTCACTGTGGGCTTCGGTCGACCGAGCACT[G>A]GAATTTCAACTTTGATGTTGTCACCAGCTTTGGCAATGACCAGTTTCTGATAGATGCCAC-3'
Protein context (NP_001254479.2, residues 23646-23666): KAGDNIKVEI[Pro23656Leu]VLGRPKPTVT